The following is an entry in ClinVar:

ClinVar aggregate classification (germline): Conflicting classifications of pathogenicity. Review status: criteria provided, conflicting classifications (1 of 4 stars). 3 submissions from 3 submitters: Likely pathogenic (1); Uncertain significance (2). Last evaluated 2025-06-23.

Conditions:
CRB2-related disorder. Also called: CRB2-related condition; CRB2-related disorders.

Allele frequency attached by ClinVar (database versions not stated): gnomAD 0.00001; gnomAD exomes 0.00001; TOPMed 0.00001; ExAC 0.00002.
gnomAD v4.1: 23 of 1,594,642 alleles (0.0014%); highest among the groups gnomAD compares: East Asian, 0.0022%; no homozygotes.

Submissions (3):

PreventionGenetics, part of Exact Sciences
Classification: Uncertain significance for CRB2-related condition. Last evaluated: 2025-06-23. Review status: criteria provided, single submitter. Criteria: ACMG Guidelines, 2015. Collection method: clinical testing. Allele origin: germline.
Comment: The CRB2 c.514T>C variant is predicted to result in the amino acid substitution p.Cys172Arg. To our knowledge, this variant has not been reported in the literature. This variant is reported in 0.0042% of alleles in individuals of European (Non-Finnish) descent in gnomAD. An alternate missense change at the same amino acid position (p.Cys172Gly) has been reported in the compound heterozygous state in an individual with CRB2-related disease (Adutwum et al. 2023. PubMed ID: 36071576). At this time, the clinical significance of this variant is uncertain due to the absence of conclusive functional and genetic evidence.

Blueprint Genetics
Classification: Uncertain significance. Last evaluated: 2024-01-23. Review status: criteria provided, single submitter. Criteria: ACMG Guidelines, 2015. Collection method: clinical testing. Allele origin: germline.

GeneDx
Classification: Likely pathogenic. Last evaluated: 2023-12-28. Review status: criteria provided, single submitter. Criteria: GeneDx Variant Classification Process June 2021. Collection method: clinical testing. Allele origin: germline. Affected: yes.
Comment: In silico analysis supports that this missense variant has a deleterious effect on protein structure/function; Has not been previously published as pathogenic or benign to our knowledge

NM_173689.7(CRB2):c.514T>C (p.Cys172Arg)

Gene: CRB2 (crumbs cell polarity complex component 2; plus strand). Cytogenetic location: 9q33.3.
Variant type: single nucleotide variant.
Coding change: c.514T>C on transcript NM_173689.7 (MANE Select); coding-DNA position 514, T replaced by C.
Protein change: p.Cys172Arg; replaces cysteine 172 with arginine.
Molecular consequence: missense variant.
Genome position (GRCh38, 1-based): chr9:123,366,012, T>C. VCF-style: chr9-123366012-T-C. GRCh37 (hg19) VCF-style: chr9-126128291-T-C.
Other names: short protein forms C172R.
Identifiers: ClinVar variation 1526302 (VCV001526302.5), dbSNP rs762496290, ClinGen allele CA5231688.